The following is an entry in ClinVar:

NM_006662.3(SRCAP):c.4603C>T (p.Pro1535Ser)

Gene: SRCAP (Snf2 related CREBBP activator protein; plus strand). Cytogenetic location: 16p11.2.
Variant type: single nucleotide variant.
Coding change: c.4603C>T on transcript NM_006662.3 (MANE Select); coding-DNA position 4603, C replaced by T.
Protein change: p.Pro1535Ser; replaces proline 1535 with serine.
Molecular consequence: missense variant.
Genome position (GRCh38, 1-based): chr16:30,724,027, C>T. VCF-style: chr16-30724027-C-T. GRCh37 (hg19) VCF-style: chr16-30735348-C-T.
Other names: short protein forms P1535S.
Identifiers: ClinVar variation 1699669 (VCV001699669.3), dbSNP rs117804715, ClinGen allele CA280513344.
Genomic context (GRCh38, chr16:30,724,027, plus strand): 5'-CTGTCTTCATCTCAGACACCTGGTCACCCTCTGTTGTTGGCTCCCACCTCTTCACATGTT[C>T]CAGGGTTGAACTCAACCGTGGCCCCAGCATGCTCACCTGTCCTGGTGCCAGCTTCGGCTC-3'
Protein context (NP_006653.2, residues 1525-1545): LLLAPTSSHV[Pro1535Ser]GLNSTVAPAC

ClinVar aggregate classification (germline): Uncertain significance (1 of 4 stars; one submission).

Submission:

GeneDx
Classification: Uncertain significance. Last evaluated: 2024-05-16. Review status: criteria provided, single submitter. Criteria: GeneDx Variant Classification Process June 2021. Collection method: clinical testing. Allele origin: germline.
Comment: Not observed at significant frequency in large population cohorts (gnomAD); In silico analysis supports that this missense variant does not alter protein structure/function; Has not been previously published as pathogenic or benign to our knowledge